The following is an entry in ClinVar:

NM_001148.6(ANK2):c.694A>G (p.Ser232Gly)

Gene: ANK2 (ankyrin 2; plus strand). Cytogenetic location: 4q26.
Variant type: single nucleotide variant.
Coding change: c.694A>G on transcript NM_001148.6 (MANE Select); coding-DNA position 694, A replaced by G.
Protein change: p.Ser232Gly; replaces serine 232 with glycine.
Molecular consequence: missense variant.
Genome position (GRCh38, 1-based): chr4:113,240,485, A>G. VCF-style: chr4-113240485-A-G. GRCh37 (hg19) VCF-style: chr4-114161641-A-G.
Other names: c.631A>G, p.Ser211Gly (NM_001127493.3, NM_001354239.2, NM_001354243.2 and 14 more transcripts); c.694A>G, p.Ser232Gly (NM_001354225.2, NM_001354228.2, NM_001354232.2 and 9 more transcripts); c.739A>G, p.Ser247Gly (NM_001354230.2, NM_001354231.2, NM_001354237.2 and 5 more transcripts); c.607A>G, p.Ser203Gly (NM_001354249.2, NM_001354260.2, NM_001354264.2 and 16 more transcripts); c.652A>G, p.Ser218Gly (NM_001354261.2, NM_001386147.1, NM_001386160.1); c.682A>G, p.Ser228Gly (NM_001354269.3, NM_001386148.2, NM_001386186.2); c.745A>G, p.Ser249Gly (NM_001386174.1); c.721A>G, p.Ser241Gly (NM_001386175.1); and 1 more; short protein forms S203G, S211G, S218G, S220G, S228G, S232G, S241G, S247G.
Identifiers: ClinVar variation 3901713 (VCV003901713.1).
Genomic context (GRCh38, chr4:113,240,485, plus strand): 5'-AATGGCTGCAACATAGAAAAGTGAAGCGCTATACTGACTGTCATATCTTTGCTTTCATAG[A>G]GTGGTTTTACCCCTTTGCACATAGCTGCACATTACGGAAATGTCAACGTGGCAACTCTTC-3'
Protein context (NP_001139.3, residues 222-242): SKMMVNRTTE[Ser232Gly]GFTPLHIAAH

ClinVar aggregate classification (germline): Uncertain significance (1 of 4 stars; one submission).

Submission:

GeneDx
Classification: Uncertain significance. Last evaluated: 2024-12-04. Review status: criteria provided, single submitter. Criteria: GeneDx Variant Classification Process June 2021. Collection method: clinical testing. Allele origin: germline. Affected: yes.
Comment: Not observed at significant frequency in large population cohorts (gnomAD); In silico analysis supports that this missense variant has a deleterious effect on protein structure/function; Has not been previously published as pathogenic or benign to our knowledge